The following is an entry in ClinVar:

ClinVar aggregate classification (germline): Uncertain significance (1 of 4 stars; one submission).

Conditions:
ACTN1-related disorder. Also called: ACTN1-related condition.

Submission:

PreventionGenetics, part of Exact Sciences
Classification: Uncertain significance for ACTN1-related condition. Last evaluated: 2022-08-23. Review status: criteria provided, single submitter. Criteria: ACMG Guidelines, 2015. Collection method: clinical testing. Allele origin: germline.
Comment: The ACTN1 c.2658G>C variant is predicted to result in the amino acid substitution p.Met886Ile. To our knowledge, this variant has not been reported in the literature or in a large population database, indicating this variant is rare. At this time, the clinical significance of this variant is uncertain due to the absence of conclusive functional and genetic evidence.

NM_001130004.2(ACTN1):c.2658G>C (p.Met886Ile)

Gene: ACTN1 (actinin alpha 1; minus strand). Cytogenetic location: 14q24.1.
Variant type: single nucleotide variant.
Coding change: c.2658G>C on transcript NM_001130004.2 (MANE Select); coding-DNA position 2658, G replaced by C.
Protein change: p.Met886Ile; replaces methionine 886 with isoleucine.
Molecular consequence: missense variant.
Genome position (GRCh38, 1-based): chr14:68,874,946, C>G on the plus strand (G>C on the coding strand, the complement: ACTN1 is on the minus strand). VCF-style: chr14-68874946-C-G. GRCh37 (hg19) VCF-style: chr14-69341663-C-G.
Other names: c.2592G>C, p.Met864Ile (NM_001102.4); c.2577G>C, p.Met859Ile (NM_001130005.2); c.2601G>C, p.Met867Ile (NM_001411035.1); c.2397G>C, p.Met799Ile (NM_001411036.1, NM_001424026.1); c.2721G>C, p.Met907Ile (NM_001424012.1); c.2718G>C, p.Met906Ile (NM_001424013.1); c.2706G>C, p.Met902Ile (NM_001424014.1); c.2679G>C, p.Met893Ile (NM_001424015.1); and 14 more; short protein forms M589I, M776I, M794I, M798I, M799I, M803I, M825I, M837I.
Identifiers: ClinVar variation 2636514 (VCV002636514.1), dbSNP rs1371015727, ClinGen allele CA390179097.
Genomic context (GRCh38, chr14:68,874,946, plus strand): 5'-CGTGGAGAAGGACATGTAGTCCAGAGCACCTGGCACGGAGTCGGGGCCGGTGTAGGGGGC[C>G]ATCCGCGCGATGCAGTACTCAGCCTGGTCGGGTGGCAGCTCGCGGCGCAGCTCGTCCATG-3'
Protein context (NP_001123476.1, residues 876-896): PDQAEYCIAR[Met886Ile]APYTGPDSVP